The following is an entry in ClinVar:

ClinVar aggregate classification (germline): Likely pathogenic. Review status: reviewed by expert panel (3 of 4 stars). 2 submissions from 2 submitters: Likely pathogenic (1). 1 of the submissions does not count toward it. Last evaluated 2026-08-21.

Conditions:
Monogenic diabetes. Identifiers: Orphanet 183625, MedGen C3888631, MONDO:0015967.
Maturity-onset diabetes of the young type 1. Also called: MILD JUVENILE DIABETES MELLITUS; MODY type 1; Diabetes mellitus MODY type 1; MODY HNF4A related; HNF4A-Related Maturity-Onset Diabetes of the Young Type 1; MODY, type I. Identifiers: Orphanet 552, MedGen C1852093, MONDO:0007452, OMIM 125850. Disease mechanism: loss of function.

Submissions (2):

ClinGen Monogenic Diabetes Variant Curation Expert Panel
Classification: Likely pathogenic for Monogenic diabetes. Last evaluated: 2026-08-21. Review status: reviewed by expert panel. Criteria: ClinGen Diabetes ACMG Specifications HNF4A V4.0.0. Collection method: curation. Allele origin: germline. Inheritance: Autosomal dominant inheritance.
Comment: The c.272G>A variant in the hepatocyte nuclear factor 4-alpha gene, HNF4A, causes an amino acid change of arginine to histidine at codon 91 (p.(Arg91His)) of NM_175914.5. This variant resides in an amino acid within the HNF4α DNA binding domain that directly binds DNA, which is defined as critical for the protein’s function by the ClinGen MDEP (PM1). This variant is predicted to be deleterious by computational evidence, with a REVEL score of 0.839, which is greater than the MDEP VCEP threshold of 0.70 (PP3). This variant is absent from gnomAD v4.1.1 (PM2_Supporting). This variant was identified in three unrelated individuals with non-autoimmune and non-absolute/near-absolute insulin-deficient diabetes; however, PS4_Moderate cannot be applied because this number is below the ClinGen MDEP threshold (PMID: 40589512, ClinVar, internal lab contributors). However, in one of these individuals, the variant was identified as a de novo occurrence with unconfirmed parental relationships and whose clinical picture is highly specific for HNF4A-monogenic diabetes (MODY probability calculator result >50%, negative genetic testing for HNF1A, negative diabetes autoantibodies and preserved C-peptide >5 years after T1D diagnosis, and history of LGA) (PS2_Moderate; PP4_Moderate; PMID: 40589512). In summary, c.272G>A (p.Arg91His) meets the criteria to be classified as likely pathogenic for monogenic diabetes. ACMG/AMP criteria applied, as specified by the ClinGen MDEP (specification version 4.0.0, approved 10/10/2025): PM1, PS2_Moderate, PP4_Moderate, PM2_Supporting, PP3.

MVZ Medizinische Genetik Mainz
Classification: Uncertain significance for Maturity-onset diabetes of the young type 1. Last evaluated: 2025-01-10. Review status: criteria provided, single submitter. Criteria: UK Practice Guidelines For Variant Classification V4 01 2020. Collection method: clinical testing. Allele origin: germline. Inheritance: Autosomal dominant inheritance. Observed: 1 variant allele. Not counted in ClinVar's aggregate classification.
Comment: ACMG Criteria: PM1,PM2_SUP,PP3,PP4

Literature cited by the submitters: PubMed 40589512 (cited by ClinGen Monogenic Diabetes Variant Curation Expert Panel).

NM_175914.5(HNF4A):c.272G>A (p.Arg91His)

Gene: HNF4A (hepatocyte nuclear factor 4 alpha; plus strand). Cytogenetic location: 20q13.12.
Variant type: single nucleotide variant.
Coding change: c.272G>A on transcript NM_175914.5 (MANE Select); coding-DNA position 272, G replaced by A.
Protein change: p.Arg91His; replaces arginine 91 with histidine.
Molecular consequence: missense variant.
Genome position (GRCh38, 1-based): chr20:44,407,428, G>A. VCF-style: chr20-44407428-G-A. GRCh37 (hg19) VCF-style: chr20-43036068-G-A.
Other names: NM_175914.5(HNF4A):c.272G>A; p.Arg91His; c.338G>A, p.Arg113His (NM_000457.6, NM_178849.3, NM_178850.3); c.272G>A, p.Arg91His (NM_001030003.3, NM_001030004.3); c.317G>A, p.Arg106His (NM_001258355.2); c.263G>A, p.Arg88His (NM_001287182.2, NM_001287183.2, NM_001287184.2); short protein forms R106H, R113H, R88H, R91H.
Identifiers: ClinVar variation 3601978 (VCV003601978.2).